The following is an entry in ClinVar:

ClinVar aggregate classification (germline): Uncertain significance. Review status: criteria provided, multiple submitters, no conflicts (2 of 4 stars). 2 submissions from 2 submitters: Uncertain significance (2). Last evaluated 2025-02-19.

Conditions:
Symmetrical dyschromatosis of extremities (DSH). Also called: RETICULATE ACROPIGMENTATION OF DOHI; SYMMETRIC DYSCHROMATOSIS OF THE EXTREMITIES; Dyschromatosis symmetrica hereditaria; DYSCHROMATOSIS SYMMETRICA HEREDITARIA 1. Identifiers: Orphanet 41, MedGen C0406775, MONDO:0007483, OMIM 127400.
Aicardi-Goutieres syndrome 6 (AGS6). Identifiers: Orphanet 51, MedGen C3539013, MONDO:0014007, OMIM 615010.
Inborn genetic diseases. Identifiers: MedGen C0950123, MeSH D030342.

Allele frequency attached by ClinVar (database versions not stated): ExAC 0.00003.
gnomAD v4.1: 27 of 1,614,044 alleles (0.0017%); highest among the groups gnomAD compares: South Asian, 0.029%; no homozygotes.

Submissions (2):

Labcorp Genetics (formerly Invitae), Labcorp
Classification: Uncertain significance for Aicardi-Goutieres syndrome 6; Symmetrical dyschromatosis of extremities. Last evaluated: 2025-02-19. Review status: criteria provided, single submitter. Criteria: Invitae Variant Classification Sherloc (09022015). Collection method: clinical testing. Allele origin: germline.
Comment: This sequence change replaces isoleucine, which is neutral and non-polar, with leucine, which is neutral and non-polar, at codon 920 of the ADAR protein (p.Ile920Leu). This variant is present in population databases (rs766337056, gnomAD 0.03%). This variant has not been reported in the literature in individuals affected with ADAR-related conditions. ClinVar contains an entry for this variant (Variation ID: 2197305). Invitae Evidence Modeling of protein sequence and biophysical properties (such as structural, functional, and spatial information, amino acid conservation, physicochemical variation, residue mobility, and thermodynamic stability) indicates that this missense variant is not expected to disrupt ADAR protein function with a negative predictive value of 80%. In summary, the available evidence is currently insufficient to determine the role of this variant in disease. Therefore, it has been classified as a Variant of Uncertain Significance.

Ambry Genetics
Classification: Uncertain significance for Inborn genetic diseases. Last evaluated: 2021-11-15. Review status: criteria provided, single submitter. Criteria: Ambry Variant Classification Scheme 2023. Collection method: clinical testing. Allele origin: germline.

NM_001111.5(ADAR):c.2758A>C (p.Ile920Leu)

Genes: ADAR (adenosine deaminase RNA specific; minus strand), LOC126805874 (CDK7 strongly-dependent group 2 enhancer GRCh37_chr1:154561176-154562375; plus strand). Cytogenetic location: 1q21.3.
Variant type: single nucleotide variant.
Coding change: c.2758A>C on transcript NM_001111.5 (MANE Select); coding-DNA position 2758, A replaced by C.
Protein change: p.Ile920Leu; replaces isoleucine 920 with leucine.
Molecular consequence: missense variant.
Genome position (GRCh38, 1-based): chr1:154,589,373, T>G on the plus strand (A>C on the coding strand, the complement: ADAR is on the minus strand). VCF-style: chr1-154589373-T-G. GRCh37 (hg19) VCF-style: chr1-154561849-T-G.
Other names: c.2758A>C (NM_001111.4); c.1873A>C, p.Ile625Leu (NM_001025107.3, NM_001193495.2, NM_001365046.1 and 2 more transcripts); c.2785A>C, p.Ile929Leu (NM_001365045.1); c.1795A>C, p.Ile599Leu (NM_001365049.1); c.2680A>C, p.Ile894Leu (NM_015840.4); c.2623A>C, p.Ile875Leu (NM_015841.4); short protein forms I625L, I929L, I599L, I920L, I875L, I894L.
Identifiers: ClinVar variation 2197305 (VCV002197305.5), dbSNP rs766337056, ClinGen allele CA1131166.